The following is an entry in ClinVar:

ClinVar aggregate classification (germline): Uncertain significance (1 of 4 stars; one submission).

Allele frequency attached by ClinVar (database versions not stated): TOPMed below 0.00001; ExAC 0.00001; gnomAD 0.00001; gnomAD exomes 0.00002.
gnomAD v4.1: 25 of 1,612,020 alleles (0.0016%); highest among the groups gnomAD compares: Non-Finnish European, 0.002%; no homozygotes.

Submission:

GeneDx
Classification: Uncertain significance. Last evaluated: 2022-05-05. Review status: criteria provided, single submitter. Criteria: GeneDx Variant Classification Process June 2021. Collection method: clinical testing. Allele origin: germline. Affected: yes.
Comment: Not observed at significant frequency in large population cohorts (gnomAD); Nonsense variant predicted to result in protein truncation or nonsense mediated decay in a gene or region of a gene for which loss of function is not a well-established mechanism of disease; Has not been previously published as pathogenic or benign to our knowledge

NM_178554.6(KY):c.163C>T (p.Arg55Ter)

Genes: CEP63 (centrosomal protein 63; plus strand), KY (kyphoscoliosis peptidase; minus strand). Cytogenetic location: 3q22.2.
Variant type: single nucleotide variant.
Coding change: c.163C>T on transcript NM_178554.6 (MANE Select); coding-DNA position 163, C replaced by T.
Protein change: p.Arg55Ter; replaces arginine 55 with a stop codon.
Molecular consequence: nonsense. On other transcripts: intron variant (1).
Genome position (GRCh38, 1-based): chr3:134,647,471, G>A on the plus strand (C>T on the coding strand, the complement: KY is on the minus strand). VCF-style: chr3-134647471-G-A. GRCh37 (hg19) VCF-style: chr3-134366313-G-A.
Other names: c.163C>T, p.Arg55Ter (NM_001350859.2, NM_001366276.1, NM_001366277.2); c.136+3354C>T (NM_001350860.2); short protein forms R55*.
Identifiers: ClinVar variation 1723085 (VCV001723085.2), dbSNP rs763887026, ClinGen allele CA2629387.